The following is an entry in ClinVar:

NM_000238.4(KCNH2):c.769A>C (p.Asn257His)

Gene: KCNH2 (potassium voltage-gated channel subfamily H member 2; minus strand). Cytogenetic location: 7q36.1.
Variant type: single nucleotide variant.
Coding change: c.769A>C on transcript NM_000238.4 (MANE Select); coding-DNA position 769, A replaced by C.
Protein change: p.Asn257His; replaces asparagine 257 with histidine.
Molecular consequence: missense variant.
Genome position (GRCh38, 1-based): chr7:150,958,206, T>G on the plus strand (A>C on the coding strand, the complement: KCNH2 is on the minus strand). VCF-style: chr7-150958206-T-G. GRCh37 (hg19) VCF-style: chr7-150655294-T-G.
Other names: c.769A>C (LRG_288t1); c.481A>C, p.Asn161His (NM_001406753.1, NM_001406756.1); c.592A>C, p.Asn198His (NM_001406755.1); c.469A>C, p.Asn157His (NM_001406757.1); c.769A>C, p.Asn257His (NM_172056.3); short protein forms N257H, N157H, N161H, N198H.
Identifiers: ClinVar variation 67526 (VCV000067526.9), dbSNP rs199472875, ClinGen allele CA008794.

ClinVar aggregate classification (germline): Uncertain significance. Review status: criteria provided, multiple submitters, no conflicts (2 of 4 stars). 3 submissions from 3 submitters: Uncertain significance (2). 1 of the submissions does not count toward it. Last evaluated 2025-11-24.

Conditions:
Long QT syndrome (LQTS). Identifiers: MedGen C0023976, MeSH D008133, MONDO:0002442. Disease mechanism: loss of function. Inheritance: Various modes of inheritance.

Allele frequency attached by ClinVar (database versions not stated): gnomAD 0.00001; TOPMed 0.00001.
gnomAD v4.1: 2 of 1,372,336 alleles (0.00015%); highest among the groups gnomAD compares: African/African-American, 0.003%; no homozygotes.

Submissions (3):

Labcorp Genetics (formerly Invitae), Labcorp
Classification: Uncertain significance for Long QT syndrome. Last evaluated: 2025-11-24. Review status: criteria provided, single submitter. Criteria: Invitae Variant Classification Sherloc (09022015). Collection method: clinical testing. Allele origin: germline.
Comment: This sequence change replaces asparagine, which is neutral and polar, with histidine, which is basic and polar, at codon 257 of the KCNH2 protein (p.Asn257His). This variant is present in population databases (rs199472875, gnomAD 0.01%). This variant has not been reported in the literature in individuals affected with KCNH2-related conditions. ClinVar contains an entry for this variant (Variation ID: 67526). An algorithm developed to predict the effect of missense changes on protein structure and function (PolyPhen-2) suggests that this variant is likely to be tolerated. In summary, the available evidence is currently insufficient to determine the role of this variant in disease. Therefore, it has been classified as a Variant of Uncertain Significance.

GeneDx
Classification: Uncertain significance. Last evaluated: 2018-11-12. Review status: criteria provided, single submitter. Criteria: GeneDx Variant Classification Process June 2021. Collection method: clinical testing. Allele origin: germline. Affected: yes.
Comment: This variant is associated with the following publications: (PMID: 19841300, 14661677)

Cardiovascular Biomedical Research Unit, Royal Brompton & Harefield NHS Foundation Trust
No classification provided. Review status: no classification provided. Collection method: literature only. Allele origin: germline. Not counted in ClinVar's aggregate classification.
Comment: This variant has been reported in the following publications (PMID:14661677;PMID:19841300).

Literature cited by the submitters: PubMed 14661677 (cited by Cardiovascular Biomedical Research Unit, Royal Brompton & Harefield NHS Foundation Trust); PubMed 19841300 (cited by Cardiovascular Biomedical Research Unit, Royal Brompton & Harefield NHS Foundation Trust); PubMed 22581653 (cited by Cardiovascular Biomedical Research Unit, Royal Brompton & Harefield NHS Foundation Trust).